The following is an entry in ClinVar:

ClinVar aggregate classification (germline): Uncertain significance (1 of 4 stars; one submission).

Allele frequency attached by ClinVar (database versions not stated): gnomAD exomes below 0.00001; gnomAD 0.00001; TOPMed 0.00001.
gnomAD v4.1: 4 of 1,614,036 alleles (0.00025%); highest among the groups gnomAD compares: African/African-American, 0.0013%; no homozygotes.

Submission:

Women's Health and Genetics/Laboratory Corporation of America, LabCorp
Classification: Uncertain significance. Last evaluated: 2023-08-14. Review status: criteria provided, single submitter. Criteria: LabCorp Variant Classification Summary - May 2015. Collection method: clinical testing. Allele origin: germline.
Comment: Variant summary: ATP2B1 c.1237A>G (p.Ile413Val) results in a conservative amino acid change in the encoded protein sequence. Four of five in-silico tools predict a benign effect of the variant on protein function. The variant allele was found at a frequency of 4e-06 in 251152 control chromosomes (gnomAD). The available data on variant occurrences in the general population are insufficient to allow any conclusion about variant significance. To our knowledge, no occurrence of c.1237A>G in individuals affected with Intellectual Developmental Disorder, Autosomal Dominant 66 and no experimental evidence demonstrating its impact on protein function have been reported. No submitters have cited clinical-significance assessments for this variant to ClinVar after 2014. Based on the evidence outlined above, the variant was classified as uncertain significance.

NM_001366521.1(ATP2B1):c.1237A>G (p.Ile413Val)

Gene: ATP2B1 (ATPase plasma membrane Ca2+ transporting 1; minus strand). Cytogenetic location: 12q21.33.
Variant type: single nucleotide variant.
Coding change: c.1237A>G on transcript NM_001366521.1 (MANE Select); coding-DNA position 1237, A replaced by G.
Protein change: p.Ile413Val; replaces isoleucine 413 with valine.
Molecular consequence: missense variant. On other transcripts: non-coding transcript variant (3).
Genome position (GRCh38, 1-based): chr12:89,624,290, T>C on the plus strand (A>G on the coding strand, the complement: ATP2B1 is on the minus strand). VCF-style: chr12-89624290-T-C. GRCh37 (hg19) VCF-style: chr12-90018067-T-C.
Other names: c.1237A>G, p.Ile413Val (NM_001001323.2, NM_001366520.1, NM_001366522.1 and 13 more transcripts); c.1039A>G, p.Ile347Val (NM_001366530.1, NM_001413053.1); c.676A>G, p.Ile226Val (NM_001366531.1, NM_001366532.1, NM_001413058.1 and 2 more transcripts); c.1198A>G, p.Ile400Val (NM_001413048.1); c.1096A>G, p.Ile366Val (NM_001413051.1, NM_001413052.1, NM_001413055.1); c.982A>G, p.Ile328Val (NM_001413056.1); c.784A>G, p.Ile262Val (NM_001413057.1); short protein forms I226V, I262V, I328V, I347V, I366V, I400V, I413V.
Identifiers: ClinVar variation 2581682 (VCV002581682.1), dbSNP rs905770927, ClinGen allele CA241607309.